The following is an entry in ClinVar:

ClinVar aggregate classification (germline): Uncertain significance. Review status: criteria provided, multiple submitters, no conflicts (2 of 4 stars). 2 submissions from 2 submitters: Uncertain significance (2). Last evaluated 2024-10-31.

Allele frequency attached by ClinVar (database versions not stated): gnomAD 0.00001; ExAC 0.00002.
gnomAD v4.1: 12 of 1,613,754 alleles (0.00074%); highest among the groups gnomAD compares: South Asian, 0.0022%; no homozygotes.

Submissions (2):

Labcorp Genetics (formerly Invitae), Labcorp
Classification: Uncertain significance. Last evaluated: 2024-10-31. Review status: criteria provided, single submitter. Criteria: Invitae Variant Classification Sherloc (09022015). Collection method: clinical testing. Allele origin: germline.
Comment: This sequence change replaces alanine, which is neutral and non-polar, with valine, which is neutral and non-polar, at codon 3914 of the HMCN1 protein (p.Ala3914Val). This variant is present in population databases (rs764895324, gnomAD 0.01%). This variant has not been reported in the literature in individuals affected with HMCN1-related conditions. ClinVar contains an entry for this variant (Variation ID: 2213508). An algorithm developed to predict the effect of missense changes on protein structure and function outputs the following: PolyPhen-2: "Benign". The valine amino acid residue is found in multiple mammalian species, which suggests that this missense change does not adversely affect protein function. In summary, the available evidence is currently insufficient to determine the role of this variant in disease. Therefore, it has been classified as a Variant of Uncertain Significance.

Ambry Genetics
Classification: Uncertain significance. Last evaluated: 2022-01-04. Review status: criteria provided, single submitter. Criteria: Ambry Variant Classification Scheme 2023. Collection method: clinical testing. Allele origin: germline.

NM_031935.3(HMCN1):c.11741C>T (p.Ala3914Val)

Gene: HMCN1 (hemicentin 1; plus strand). Cytogenetic location: 1q31.1.
Variant type: single nucleotide variant.
Coding change: c.11741C>T on transcript NM_031935.3 (MANE Select); coding-DNA position 11741, C replaced by T.
Protein change: p.Ala3914Val; replaces alanine 3914 with valine.
Molecular consequence: missense variant.
Genome position (GRCh38, 1-based): chr1:186,117,516, C>T. VCF-style: chr1-186117516-C-T. GRCh37 (hg19) VCF-style: chr1-186086648-C-T.
Other names: short protein forms A3914V.
Identifiers: ClinVar variation 2213508 (VCV002213508.4), dbSNP rs764895324, ClinGen allele CA1294142.
Genomic context (GRCh38, chr1:186,117,516, plus strand): 5'-TAGTTCCACCTTCCATAGCTGATGAGCCTACAGATTTCCTAGTAACCAAACATGCCCCAG[C>T]AGTAATTACCTGCACTGCTTCGGGAGTTCCATTTCCCTCAATTCACTGGACCAAAAATGG-3'
Protein context (NP_114141.2, residues 3904-3924): TDFLVTKHAP[Ala3914Val]VITCTASGVP